The following is an entry in ClinVar:

ClinVar aggregate classification (germline): Uncertain significance (1 of 4 stars; one submission).

Allele frequency attached by ClinVar (database versions not stated): gnomAD exomes below 0.00001.
gnomAD v4.1: 1 of 1,614,064 alleles (0.000062%); highest among the groups gnomAD compares: Non-Finnish European, 0.000085%; no homozygotes.

Submission:

GeneDx
Classification: Uncertain significance. Last evaluated: 2023-01-12. Review status: criteria provided, single submitter. Criteria: GeneDx Variant Classification Process June 2021. Collection method: clinical testing. Allele origin: germline. Affected: yes.
Comment: Has not been previously published as pathogenic or benign to our knowledge; Not observed at significant frequency in large population cohorts (gnomAD); In silico analysis supports that this missense variant does not alter protein structure/function

NM_015557.3(CHD5):c.1877T>C (p.Ile626Thr)

Gene: CHD5 (chromodomain helicase DNA binding protein 5; minus strand). Cytogenetic location: 1p36.31.
Variant type: single nucleotide variant.
Coding change: c.1877T>C on transcript NM_015557.3 (MANE Select); coding-DNA position 1877, T replaced by C.
Protein change: p.Ile626Thr; replaces isoleucine 626 with threonine.
Molecular consequence: missense variant.
Genome position (GRCh38, 1-based): chr1:6,144,081, A>G on the plus strand (T>C on the coding strand, the complement: CHD5 is on the minus strand). VCF-style: chr1-6144081-A-G. GRCh37 (hg19) VCF-style: chr1-6204141-A-G.
Other names: short protein forms I626T.
Identifiers: ClinVar variation 2572853 (VCV002572853.1), dbSNP rs2525414216, ClinGen allele CA338081578.
Genomic context (GRCh38, chr1:6,144,081, plus strand): 5'-CACCTGTGGCCCCAGTAGGCCTGCTTGAGGTTGTCGTAGTAGGGGATGTCGATGTCATCG[A>G]TCTCCCAGGTGCACTGGTCGTAGGGCAGGTCTTTCCACTTGATCAGGTAGTGCACATCCC-3'
Protein context (NP_056372.1, residues 616-636): DLPYDQCTWE[Ile626Thr]DDIDIPYYDN